The following is an entry in ClinVar:

NM_006218.4(PIK3CA):c.1018T>C (p.Cys340Arg)

Gene: PIK3CA (phosphatidylinositol-4,5-bisphosphate 3-kinase catalytic subunit alpha; plus strand). Cytogenetic location: 3q26.32.
Variant type: single nucleotide variant.
Coding change: c.1018T>C on transcript NM_006218.4 (MANE Select); coding-DNA position 1018, T replaced by C.
Protein change: p.Cys340Arg; replaces cysteine 340 with arginine.
Molecular consequence: missense variant.
Genome position (GRCh38, 1-based): chr3:179,203,748, T>C. VCF-style: chr3-179203748-T-C. GRCh37 (hg19) VCF-style: chr3-178921536-T-C.
Other names: short protein forms C340R.
Identifiers: ClinVar variation 1751267 (VCV001751267.2), dbSNP rs2108393216, ClinGen allele CA355281310.

ClinVar aggregate classification (germline): Uncertain significance (1 of 4 stars; one submission).

Conditions:
Inborn genetic diseases. Identifiers: MedGen C0950123, MeSH D030342.

Submission:

Ambry Genetics
Classification: Uncertain significance for Inborn genetic diseases. Last evaluated: 2021-10-06. Review status: criteria provided, single submitter. Criteria: Ambry Variant Classification Scheme 2023. Collection method: clinical testing. Allele origin: germline.
Comment: The p.C340R variant (also known as c.1018T>C), located in coding exon 4 of the PIK3CA gene, results from a T to C substitution at nucleotide position 1018. The cysteine at codon 340 is replaced by arginine, an amino acid with highly dissimilar properties. This amino acid position is conserved. In addition, this alteration is predicted to be deleterious by in silico analysis. Since supporting evidence is limited at this time, the clinical significance of this alteration remains unclear.